The following is an entry in ClinVar:

NM_000557.5(GDF5):c.1027del (p.Leu343fs)

Genes: GDF5 (growth differentiation factor 5; minus strand), GDF5-AS1 (GDF5 antisense RNA 1; plus strand). Cytogenetic location: 20q11.22.
Variant type: Deletion.
Coding change: c.1027del on transcript NM_000557.5 (MANE Select); coding-DNA position 1027, one base deleted (C; older notation c.1027delC).
Protein change: p.Leu343fs; shifts the reading frame from leucine 343.
Molecular consequence: frameshift variant. On other transcripts: non-coding transcript variant (1).
Genome position (GRCh38, 1-based): chr20:35,434,388, G deleted on the plus strand (C on the coding strand, the reverse complement: GDF5 is on the minus strand); the first of 2 consecutive G bases (chr20:35,434,388-35,434,389); deleting either gives the same sequence. VCF-style (leftmost placement, unchanged base first): chr20-35434387-AG-A. GRCh37 (hg19) VCF-style: chr20-34022185-AG-A.
Other names: c.1027del, p.Leu343fs (NM_001319138.2); short protein forms L343fs.
Identifiers: ClinVar variation 2754715 (VCV002754715.3), dbSNP rs2515419697, ClinGen allele CA2697547369.

ClinVar aggregate classification (germline): Pathogenic (1 of 4 stars; one submission).

Submission:

Labcorp Genetics (formerly Invitae), Labcorp
Classification: Pathogenic. Last evaluated: 2023-09-20. Review status: criteria provided, single submitter. Criteria: Invitae Variant Classification Sherloc (09022015). Collection method: clinical testing. Allele origin: germline.
Comment: For these reasons, this variant has been classified as Pathogenic. This variant disrupts a region of the GDF5 protein in which other variant(s) (p.Leu441Pro) have been determined to be pathogenic (PMID: 12121354, 16014698). This suggests that this is a clinically significant region of the protein, and that variants that disrupt it are likely to be disease-causing. This variant has not been reported in the literature in individuals affected with GDF5-related conditions. This variant is not present in population databases (gnomAD no frequency). This sequence change creates a premature translational stop signal (p.Leu343Trpfs*110) in the GDF5 gene. While this is not anticipated to result in nonsense mediated decay, it is expected to disrupt the last 159 amino acid(s) of the GDF5 protein.

Literature cited by the submitters: PubMed 12121354; PubMed 16014698.